The following is an entry in ClinVar:

ClinVar aggregate classification (germline): Uncertain significance (1 of 4 stars; one submission).

gnomAD v4.1: 112 of 1,614,050 alleles (0.0069%); highest among the groups gnomAD compares: South Asian, 0.12%; 3 homozygotes.

Submission:

Ambry Genetics
Classification: Uncertain significance. Last evaluated: 2024-03-16. Review status: criteria provided, single submitter. Criteria: Ambry Variant Classification Scheme 2023. Collection method: clinical testing. Allele origin: germline.
Comment: Does not currently meet published gene-disease clinical validity criteria Based on insufficient or conflicting evidence, the clinical significance of this alteration remains unclear.

Literature cited by the submitters: PubMed 28106320.

NM_001437.3(ESR2):c.1546G>A (p.Glu516Lys)

Gene: ESR2 (estrogen receptor 2; minus strand). Cytogenetic location: 14q23.2.
Variant type: single nucleotide variant.
Coding change: c.1546G>A on transcript NM_001437.3 (MANE Select); coding-DNA position 1546, G replaced by A.
Protein change: p.Glu516Lys; replaces glutamic acid 516 with lysine.
Molecular consequence: missense variant. On other transcripts: non-coding transcript variant (1), intron variant (5).
Genome position (GRCh38, 1-based): chr14:64,233,184, C>T on the plus strand (G>A on the coding strand, the complement: ESR2 is on the minus strand). VCF-style: chr14-64233184-C-T. GRCh37 (hg19) VCF-style: chr14-64699902-C-T.
Other names: c.1273G>A, p.Glu425Lys (NM_001271877.1); c.1406+1786G>A (NM_001291712.2, NM_001291723.1, NM_001040275.1 and 2 more transcripts); short protein forms E516K, E425K.
Identifiers: ClinVar variation 3276489 (VCV003276489.1).